The following is an entry in ClinVar:

ClinVar aggregate classification (germline): Uncertain significance. Review status: criteria provided, multiple submitters, no conflicts (2 of 4 stars). 3 submissions from 3 submitters: Uncertain significance (3). Last evaluated 2025-05-23.

Conditions:
Hereditary pancreatitis (PCTT). Also called: Hereditary chronic pancreatitis; PRSS1-Related Hereditary Pancreatitis. Identifiers: Orphanet 676, MedGen C0238339, MONDO:0008185, OMIM 167800.

Allele frequency attached by ClinVar (database versions not stated): gnomAD 0.00002.
gnomAD v4.1: 22 of 1,613,916 alleles (0.0014%); highest among the groups gnomAD compares: Middle Eastern, 0.016%; no homozygotes.

Submissions (3):

Ambry Genetics
Classification: Uncertain significance for Hereditary pancreatitis. Last evaluated: 2025-05-23. Review status: criteria provided, single submitter. Criteria: Ambry Variant Classification Scheme 2023. Collection method: clinical testing. Allele origin: germline.
Comment: The p.V25I variant (also known as c.73G>A), located in coding exon 2 of the PRSS1 gene, results from a G to A substitution at nucleotide position 73. The valine at codon 25 is replaced by isoleucine, an amino acid with highly similar properties. This amino acid position is not well conserved in available vertebrate species. In addition, the in silico prediction for this alteration is inconclusive. Based on the available evidence, the clinical significance of this variant remains unclear.

Labcorp Genetics (formerly Invitae), Labcorp
Classification: Uncertain significance for Hereditary pancreatitis. Last evaluated: 2024-03-07. Review status: criteria provided, single submitter. Criteria: Invitae Variant Classification Sherloc (09022015). Collection method: clinical testing. Allele origin: germline.
Comment: This sequence change replaces valine, which is neutral and non-polar, with isoleucine, which is neutral and non-polar, at codon 25 of the PRSS1 protein (p.Val25Ile). The frequency data for this variant in the population databases is considered unreliable, as metrics indicate poor data quality at this position in the gnomAD database. This variant has not been reported in the literature in individuals affected with PRSS1-related conditions. ClinVar contains an entry for this variant (Variation ID: 459187). Advanced modeling of protein sequence and biophysical properties (such as structural, functional, and spatial information, amino acid conservation, physicochemical variation, residue mobility, and thermodynamic stability) performed at Invitae indicates that this missense variant is not expected to disrupt PRSS1 protein function with a negative predictive value of 80%. In summary, the available evidence is currently insufficient to determine the role of this variant in disease. Therefore, it has been classified as a Variant of Uncertain Significance.

Breakthrough Genomics
Classification: Uncertain significance. Review status: criteria provided, single submitter. Criteria: ACMG Guidelines, 2015. Collection method: not provided. Allele origin: germline. Inheritance: Autosomal recessive inheritance. Affected: yes.

NM_002769.5(PRSS1):c.73G>A (p.Val25Ile)

Genes: PRSS1 (serine protease 1; plus strand), TRB (T cell receptor beta locus; plus strand). Cytogenetic location: 7q34.
Variant type: single nucleotide variant.
Coding change: c.73G>A on transcript NM_002769.5 (MANE Select); coding-DNA position 73, G replaced by A.
Protein change: p.Val25Ile; replaces valine 25 with isoleucine.
Molecular consequence: missense variant.
Genome position (GRCh38, 1-based): chr7:142,750,587, G>A. VCF-style: chr7-142750587-G-A. GRCh37 (hg19) VCF-style: chr7-142458438-G-A.
Other names: short protein forms V25I.
Identifiers: ClinVar variation 459187 (VCV000459187.13), dbSNP rs768051473, ClinGen allele CA4529667.